The following is an entry in ClinVar:

NM_015295.3(SMCHD1):c.1160C>T (p.Pro387Leu)

Gene: SMCHD1 (structural maintenance of chromosomes flexible hinge domain containing 1; plus strand). Cytogenetic location: 18p11.32.
Variant type: single nucleotide variant.
Coding change: c.1160C>T on transcript NM_015295.3 (MANE Select); coding-DNA position 1160, C replaced by T.
Protein change: p.Pro387Leu; replaces proline 387 with leucine.
Molecular consequence: missense variant.
Genome position (GRCh38, 1-based): chr18:2,697,859, C>T. VCF-style: chr18-2697859-C-T. GRCh37 (hg19) VCF-style: chr18-2697857-C-T.
Other names: short protein forms P387L.
Identifiers: ClinVar variation 1400963 (VCV001400963.6), dbSNP rs754679117, ClinGen allele CA8870702.
Genomic context (GRCh38, chr18:2,697,859, plus strand): 5'-ATTTAATTATTTTTGTTTCCTTTTTATTTTAGATTTCTATGTTTGAAAAAGGGAAGGTAC[C>T]TAAGATTGTCAACCTAAGGGAAATACAAGACGACATGCAGACGTTGTATGTAAACACAGC-3'
Protein context (NP_056110.2, residues 377-397): EISMFEKGKV[Pro387Leu]KIVNLREIQD

ClinVar aggregate classification (germline): Uncertain significance (1 of 4 stars; one submission).

Conditions:
Facioscapulohumeral muscular dystrophy 2 (FSHD2). Also called: MUSCULAR DYSTROPHY, FACIOSCAPULOHUMERAL, TYPE 1B; FACIOSCAPULOHUMERAL MUSCULAR DYSTROPHY 2, DIGENIC; FSHD2, DIGENIC. Identifiers: Orphanet 269, MedGen C1834671, MONDO:0008031, OMIM 158901.

Allele frequency attached by ClinVar (database versions not stated): gnomAD 0.00001; gnomAD exomes 0.00001; ExAC 0.00002.
gnomAD v4.1: 4 of 1,612,412 alleles (0.00025%); highest among the groups gnomAD compares: South Asian, 0.0011%; no homozygotes.

Submission:

Labcorp Genetics (formerly Invitae), Labcorp
Classification: Uncertain significance for Facioscapulohumeral muscular dystrophy 2. Last evaluated: 2021-10-13. Review status: criteria provided, single submitter. Criteria: Invitae Variant Classification Sherloc (09022015). Collection method: clinical testing. Allele origin: germline.
Comment: Algorithms developed to predict the effect of missense changes on protein structure and function are either unavailable or do not agree on the potential impact of this missense change (SIFT: "Tolerated"; PolyPhen-2: "Possibly Damaging"; Align-GVGD: "Class C0"). In summary, the available evidence is currently insufficient to determine the role of this variant in disease. Therefore, it has been classified as a Variant of Uncertain Significance. This variant has not been reported in the literature in individuals affected with SMCHD1-related conditions. This variant is present in population databases (rs754679117, ExAC 0.006%). This sequence change replaces proline with leucine at codon 387 of the SMCHD1 protein (p.Pro387Leu). The proline residue is highly conserved and there is a moderate physicochemical difference between proline and leucine.